The following is an entry in ClinVar:

NM_001378454.1(ALMS1):c.12114+1_12114+3del

Genes: ALMS1 (ALMS1 centrosome and basal body associated protein; plus strand), LOC126806252 (BRD4-independent group 4 enhancer GRCh37_chr2:73828496-73829695; plus strand). Cytogenetic location: 2p13.1.
Variant type: Deletion.
Coding change: c.12114+1_12114+3del on transcript NM_001378454.1 (MANE Select); the canonical splice donor site of the intron after coding-DNA position 12114 through 3 bases into the intron after coding-DNA position 12114, 3 bases deleted (GTG; older notation c.12114+1_12114+3delGTG).
Molecular consequence: splice donor variant.
Genome position (GRCh38, 1-based): chr2:73,601,437-73,601,439, GTG deleted; deleting any 3 consecutive bases within chr2:73,601,436-73,601,439 gives the same sequence; the c. name uses the placement nearest the transcript's 3' end. VCF-style (leftmost placement, unchanged base first): chr2-73601435-AGGT-A. GRCh37 (hg19) VCF-style: chr2-73828562-AGGT-A.
Other names: c.12114+1_12114+3del (NM_015120.4).
Identifiers: ClinVar variation 3724855 (VCV003724855.2).

ClinVar aggregate classification (germline): Likely pathogenic (1 of 4 stars; one submission).

Conditions:
Alstrom syndrome (ALMS). Identifiers: Orphanet 64, MedGen C0268425, MONDO:0008763, OMIM 203800.

Submission:

Labcorp Genetics (formerly Invitae), Labcorp
Classification: Likely pathogenic for Alstrom syndrome. Last evaluated: 2024-11-07. Review status: criteria provided, single submitter. Criteria: Invitae Variant Classification Sherloc (09022015). Collection method: clinical testing. Allele origin: germline.
Comment: This sequence change affects a splice site in intron 19 of the ALMS1 gene. It is expected to disrupt RNA splicing. Variants that disrupt the donor or acceptor splice site typically lead to a loss of protein function (PMID: 16199547), and loss-of-function variants in ALMS1 are known to be pathogenic (PMID: 17594715). This variant is not present in population databases (gnomAD no frequency). This variant has not been reported in the literature in individuals affected with ALMS1-related conditions. Algorithms developed to predict the effect of sequence changes on RNA splicing suggest that this variant may disrupt the consensus splice site. In summary, the currently available evidence indicates that the variant is pathogenic, but additional data are needed to prove that conclusively. Therefore, this variant has been classified as Likely Pathogenic.

Literature cited by the submitters: PubMed 16199547; PubMed 17594715.